The following is an entry in ClinVar:

NM_000135.4(FANCA):c.4264C>A (p.Leu1422Met)

Genes: FANCA (FA complementation group A; minus strand), ZNF276 (zinc finger protein 276; plus strand). Cytogenetic location: 16q24.3.
Variant type: single nucleotide variant.
Coding change: c.4264C>A on transcript NM_000135.4 (MANE Select); coding-DNA position 4264, C replaced by A.
Protein change: p.Leu1422Met; replaces leucine 1422 with methionine.
Molecular consequence: missense variant. On other transcripts: 3 prime UTR variant (2), non-coding transcript variant (4).
Genome position (GRCh38, 1-based): chr16:89,738,705, G>T on the plus strand (C>A on the coding strand, the complement: FANCA is on the minus strand). VCF-style: chr16-89738705-G-T. GRCh37 (hg19) VCF-style: chr16-89805113-G-T.
Other names: c.4268C>A, p.Ala1423Asp (NM_001286167.3); c.*459G>T (NM_001113525.2, NM_152287.4); short protein forms L1422M, A1423D.
Identifiers: ClinVar variation 2726971 (VCV002726971.3), dbSNP rs753660236, ClinGen allele CA397483160.
Genomic context (GRCh38, chr16:89,738,705, plus strand): 5'-CCTGCTGTCTGCTCTGGAGGGCGGCGCTCACCTCTGGGTCGCAGTCCCCACGATCAGCCA[G>T]CAGCTGTGAGAGAGGAGCAGGTCCTCAGCCCATGCCGCCCACTAGGCCTCAGACCACAGG-3'
Protein context (NP_000126.2, residues 1412-1432): KKSFSHVAEL[Leu1422Met]ADRGDCDPEV

ClinVar aggregate classification (germline): Uncertain significance (1 of 4 stars; one submission).

Conditions:
Fanconi anemia (FA). Also called: Fanconi's anemia. Identifiers: Orphanet 84, MedGen C0015625, MeSH D005199, MONDO:0019391.

Submission:

Labcorp Genetics (formerly Invitae), Labcorp
Classification: Uncertain significance for Fanconi anemia. Last evaluated: 2023-06-24. Review status: criteria provided, single submitter. Criteria: Invitae Variant Classification Sherloc (09022015). Collection method: clinical testing. Allele origin: germline.
Comment: This variant has not been reported in the literature in individuals affected with FANCA-related conditions. This sequence change replaces leucine, which is neutral and non-polar, with methionine, which is neutral and non-polar, at codon 1422 of the FANCA protein (p.Leu1422Met). This variant is not present in population databases (gnomAD no frequency). Advanced modeling of protein sequence and biophysical properties (such as structural, functional, and spatial information, amino acid conservation, physicochemical variation, residue mobility, and thermodynamic stability) has been performed at Invitae for this missense variant, however the output from this modeling did not meet the statistical confidence thresholds required to predict the impact of this variant on FANCA protein function. In summary, the available evidence is currently insufficient to determine the role of this variant in disease. Therefore, it has been classified as a Variant of Uncertain Significance.